The following continues an entry in ClinVar:

NM_000059.4(BRCA2):c.6405_6409del (p.Asn2135fs)

Gene: BRCA2. ClinVar aggregate classification (germline): Pathogenic. Pathogenic (1).

Submissions 37 to 57 of 57:

Clinical Genetics and Genomics, Karolinska University Hospital
Classification: Pathogenic. Last evaluated: 2019-01-15. Review status: criteria provided, single submitter. Criteria: ACMG Guidelines, 2015. Collection method: clinical testing. Allele origin: germline. Affected: yes. Observed: 3 variant alleles. Not counted in ClinVar's aggregate classification.

Academic Department of Medical Genetics, University of Cambridge
Classification: Likely pathogenic for Hereditary cancer-predisposing syndrome. Last evaluated: 2018-01-26. Review status: criteria provided, single submitter. Criteria: ACMG Guidelines, 2015. Collection method: research. Allele origin: germline. Affected: yes. Observed: 1 heterozygote. Not counted in ClinVar's aggregate classification.
Comment: Application of AMCG guidelines 2015. Used other ClinVar submission evidence where relevant. Loss of heterozygosity in tumours or immunohistochemistry abnormalities considered functional evidence of pathogenicity.

Identified as part of research study of individuals with multiple primary tumours referred for genetic assessment

3DMed Clinical Laboratory Inc
Classification: Pathogenic for Cancer of the pancreas. Last evaluated: 2017-11-20. Review status: criteria provided, single submitter. Criteria: ACMG Guidelines, 2015. Collection method: clinical testing. Allele origin: germline. Affected: yes. Not counted in ClinVar's aggregate classification.

Clinical Genetics DNA and cytogenetics Diagnostics Lab, Erasmus MC, Erasmus Medical Center
Classification: Pathogenic for Breast-ovarian cancer, familial, susceptibility to, 2. Last evaluated: 2017-05-31. Review status: criteria provided, single submitter. Criteria: ACGS Guidelines, 2013. Collection method: clinical testing. Allele origin: germline. Affected: yes. Study: VKGL Data-share Consensus. Not counted in ClinVar's aggregate classification.

Laboratory of Molecular Diagnosis of Cancer, West China Hospital, Sichuan University
Classification: Pathogenic for Breast neoplasm. Last evaluated: 2015-11-01. Review status: criteria provided, single submitter. Criteria: ACMG Guidelines, 2015. Collection method: research. Allele origin: germline. Affected: yes. Observed: 1 variant allele. Not counted in ClinVar's aggregate classification.

Consortium of Investigators of Modifiers of BRCA1/2 (CIMBA), c/o University of Cambridge
Classification: Pathogenic for Breast-ovarian cancer, familial, susceptibility to, 2. Last evaluated: 2015-10-02. Review status: criteria provided, single submitter. Criteria: CIMBA Mutation Classification guidelines May 2016. Collection method: clinical testing. Allele origin: germline. Not counted in ClinVar's aggregate classification.

Institute of Genomics, University of Tartu
Classification: Pathogenic for Breast-ovarian cancer, familial, susceptibility to, 2. Review status: criteria provided, single submitter. Criteria: ACMG Guidelines, 2015. Collection method: research. Allele origin: germline. Affected: no. Observed: 1 variant allele. Not counted in ClinVar's aggregate classification.

Zotz-Klimas Genetics Lab, MVZ Zotz Klimas
Classification: Pathogenic for Breast-ovarian cancer, familial, susceptibility to, 2. Last evaluated: 2023-11-24. Review status: no assertion criteria provided. Collection method: clinical testing. Allele origin: germline. Affected: yes. Not counted in ClinVar's aggregate classification.

Medical Genetics Laboratory, Umraniye Training and Research Hospital, University of Health Sciences
Classification: Pathogenic for Breast carcinoma. Last evaluated: 2021-09-11. Review status: no assertion criteria provided. Collection method: clinical testing. Allele origin: germline. Inheritance: Autosomal dominant inheritance. Affected: yes. Observed: 1 heterozygote. Not counted in ClinVar's aggregate classification.

Laboratory for Genotyping Development, RIKEN
Classification: Pathogenic for Gastric cancer. Last evaluated: 2021-07-01. Review status: no assertion criteria provided. Collection method: research. Allele origin: germline. Not counted in ClinVar's aggregate classification.

Molecular Oncology, Hospital Universitario Central de Asturias (HUCA)
Classification: Pathogenic for Breast-ovarian cancer, familial, susceptibility to, 2. Last evaluated: 2021-05-24. Review status: no assertion criteria provided. Collection method: case-control. Allele origin: germline. Affected: yes. Not counted in ClinVar's aggregate classification.

BRCAlab, Lund University
Classification: Pathogenic for Breast-ovarian cancer, familial, susceptibility to, 2. Last evaluated: 2020-03-02. Review status: no assertion criteria provided. Collection method: clinical testing. Allele origin: germline. Affected: yes. Not counted in ClinVar's aggregate classification.

CZECANCA consortium
Classification: Pathogenic for Breast and/or ovarian cancer. Last evaluated: 2019-06-11. Review status: no assertion criteria provided. Collection method: clinical testing. Allele origin: germline. Affected: yes. Observed: 2 variant alleles. Not counted in ClinVar's aggregate classification.

Counsyl
Classification: Pathogenic for Breast-ovarian cancer, familial, susceptibility to, 2. Last evaluated: 2017-07-05. Review status: no assertion criteria provided. Collection method: clinical testing. Allele origin: unknown. Not counted in ClinVar's aggregate classification.

Institute of Human Genetics, Medical University Innsbruck
Classification: Pathogenic for Breast-ovarian cancer, familial 2. Last evaluated: 2015-02-11. Review status: no assertion criteria provided. Criteria: clinical testing. Collection method: clinical testing. Allele origin: germline. Affected: yes. Study: BRCA-Tyrol. Not counted in ClinVar's aggregate classification.
Comment: BRCA-mutation spectrum Western Austria

Research Molecular Genetics Laboratory, Women's College Hospital, University of Toronto
Classification: Pathogenic for Hereditary breast ovarian cancer syndrome. Last evaluated: 2014-01-31. Review status: no assertion criteria provided. Collection method: research. Allele origin: germline. Affected: yes. Study: The Canadian Open Genetics Repository (COGR). Not counted in ClinVar's aggregate classification.

Sharing Clinical Reports Project (SCRP)
Classification: Pathogenic for Breast-ovarian cancer, familial 2. Last evaluated: 2012-07-02. Review status: no assertion criteria provided. Collection method: clinical testing. Allele origin: germline. Not counted in ClinVar's aggregate classification.

Breast Cancer Information Core (BIC) (BRCA2)
Classification: Pathogenic for Breast-ovarian cancer, familial 2. Last evaluated: 2002-05-29. Review status: no assertion criteria provided. Collection method: clinical testing. Allele origin: germline. Affected: yes. Observed: 16 variant alleles. Not counted in ClinVar's aggregate classification.

Department of Pathology and Laboratory Medicine, Sinai Health System
Classification: Pathogenic for Breast-ovarian cancer, familial, susceptibility to, 2. Review status: no assertion criteria provided. Collection method: clinical testing. Allele origin: unknown. Affected: yes. Observed: 3 variant alleles. Study: The Canadian Open Genetics Repository (COGR). Not counted in ClinVar's aggregate classification.
Comment: The BRCA2 p.Asn2135Lysfs*3 variant was identified in 12 of 11758 proband chromosomes (frequency: 0.001) from individuals or families with breast, ovarian, and prostate cancer (Borg 2010, de Juan 2015, Gayther 1997, Kote-Jarai 2011, Zhang 2011). The variant was also identified in dbSNP (ID: rs80359584) as â€šÃ„ÃºWith Pathogenic alleleâ€šÃ„Ã¹, in ClinVar (classified as pathogenic by Color Genomics, Invitae, GeneDx, Ambry Genetics, SCRP, BIC, and 11 clinical laboratories), COGR, LOVD 3.0, UMD-LSDB (67x causal), BIC Database (13x clinically important), and in ARUP Laboratories (definitely pathogenic). The variant was not identified in Cosmic, or the Zhejiang University Database, the 1000 Genomes Project, the NHLBI GO Exome Sequencing Project, the Exome Aggregation Consortium (August 8th 2016), or the Genome Aggregation Database (Feb 27, 2017). The c.6405_6409del variant is predicted to cause a frameshift, which alters the protein's amino acid sequence beginning at codon 2135 and leads to a premature stop codon at position 2137. This alteration is then predicted to result in a truncated or absent protein and loss of function. Loss of function variants of the BRCA2 gene are an established mechanism of disease in breast and ovarian cancer and is the type of variant expected to cause the disorder. In summary, based on the above information, this variant meets our laboratoryâ€šÃ„Ã´s criteria to be classified as pathogenic.

Diagnostic Laboratory, Department of Genetics, University Medical Center Groningen
Classification: Pathogenic for Breast-ovarian cancer, familial, susceptibility to, 2. Review status: no assertion criteria provided. Collection method: clinical testing. Allele origin: germline. Affected: yes. Study: VKGL Data-share Consensus. Not counted in ClinVar's aggregate classification.

Joint Genome Diagnostic Labs from Nijmegen and Maastricht, Radboudumc and MUMC+
Classification: Pathogenic. Review status: no assertion criteria provided. Collection method: clinical testing. Allele origin: germline. Affected: yes. Study: VKGL Data-share Consensus. Not counted in ClinVar's aggregate classification.

Literature cited by the submitters: PubMed 20104584 (cited by Labcorp Genetics (formerly Invitae), Labcorp and GeneKor MSA); PubMed 8988179 (cited by 9 submitters); PubMed 11179017 (cited by 5 submitters); PubMed 17063270 (cited by 6 submitters); PubMed 21324516 (cited by 10 submitters); PubMed 21952622 (cited by 6 submitters); PubMed 25802882 (cited by 4 submitters); PubMed 26026974 (cited by 4 submitters); PubMed 16199546 (cited by Dasa); PubMed 17063271 (cited by Dasa); PubMed 25632310 (cited by Dasa); PubMed 29161300 (cited by 3 submitters); PubMed 27425403 (cited by 4 submitters); PubMed 30078507 (cited by 3 submitters); PubMed 11897832 (cited by All of Us Research Program, National Institutes of Health); PubMed 29446198 (cited by 3 submitters); PubMed 30287823 (cited by 4 submitters); PubMed 31706072 (cited by All of Us Research Program, National Institutes of Health and Mayo Clinic Laboratories, Mayo Clinic); PubMed 33606809 (cited by All of Us Research Program, National Institutes of Health); PubMed 36171877 (cited by All of Us Research Program, National Institutes of Health); PubMed 18489799 (cited by 3 submitters); PubMed 12142080 (cited by Mayo Clinic Laboratories, Mayo Clinic and Counsyl); PubMed 17148771 (cited by Mayo Clinic Laboratories, Mayo Clinic and Women's Health and Genetics/Laboratory Corporation of America, LabCorp); PubMed 27741520 (cited by Mayo Clinic Laboratories, Mayo Clinic and Quest Diagnostics Nichols Institute San Juan Capistrano); PubMed 28294317 (cited by Mayo Clinic Laboratories, Mayo Clinic); PubMed 32438681 (cited by Mayo Clinic Laboratories, Mayo Clinic); PubMed 32772980 (cited by Mayo Clinic Laboratories, Mayo Clinic); PubMed 33842585 (cited by Mayo Clinic Laboratories, Mayo Clinic); PubMed 34072659 (cited by Mayo Clinic Laboratories, Mayo Clinic); PubMed 35264596 (cited by Mayo Clinic Laboratories, Mayo Clinic); PubMed 36974006 (cited by Mayo Clinic Laboratories, Mayo Clinic); PubMed 9971877 (cited by Mayo Clinic Laboratories, Mayo Clinic and Laboratory for Molecular Medicine, Mass General Brigham Personalized Medicine); PubMed 28724667 (cited by Quest Diagnostics Nichols Institute San Juan Capistrano); PubMed 28831036 (cited by Quest Diagnostics Nichols Institute San Juan Capistrano); PubMed 28993434 (cited by Quest Diagnostics Nichols Institute San Juan Capistrano); PubMed 29625052 (cited by Quest Diagnostics Nichols Institute San Juan Capistrano); PubMed 30262796 (cited by Quest Diagnostics Nichols Institute San Juan Capistrano); PubMed 30720863 (cited by Quest Diagnostics Nichols Institute San Juan Capistrano); PubMed 31090900 (cited by Quest Diagnostics Nichols Institute San Juan Capistrano); PubMed 31742824 (cited by Quest Diagnostics Nichols Institute San Juan Capistrano); PubMed 31825140 (cited by Quest Diagnostics Nichols Institute San Juan Capistrano); PubMed 32318955 (cited by Quest Diagnostics Nichols Institute San Juan Capistrano); PubMed 32341426 (cited by Quest Diagnostics Nichols Institute San Juan Capistrano); PubMed 32581362 (cited by Quest Diagnostics Nichols Institute San Juan Capistrano); PubMed 32719484 (cited by Quest Diagnostics Nichols Institute San Juan Capistrano); PubMed 32853339 (cited by Quest Diagnostics Nichols Institute San Juan Capistrano); PubMed 33151324 (cited by Quest Diagnostics Nichols Institute San Juan Capistrano); PubMed 33646313 (cited by Quest Diagnostics Nichols Institute San Juan Capistrano); PubMed 34399810 (cited by Quest Diagnostics Nichols Institute San Juan Capistrano); PubMed 36243179 (cited by Quest Diagnostics Nichols Institute San Juan Capistrano); PubMed 36169650 (cited by Quest Diagnostics Nichols Institute San Juan Capistrano); PubMed 33471991 (cited by Quest Diagnostics Nichols Institute San Juan Capistrano); PubMed 28324225 (cited by Quest Diagnostics Nichols Institute San Juan Capistrano); PubMed 26295337 (cited by Quest Diagnostics Nichols Institute San Juan Capistrano); PubMed 26681312 (cited by Women's Health and Genetics/Laboratory Corporation of America, LabCorp); PubMed 15145354 (cited by 3DMed Clinical Laboratory Inc); PubMed 27257965 (cited by Laboratory of Molecular Diagnosis of Cancer, West China Hospital, Sichuan University); PubMed 36988593 (cited by Laboratory for Genotyping Development, RIKEN); PubMed 38922859 (cited by Molecular Oncology, Hospital Universitario Central de Asturias (HUCA)); PubMed 32295079 (cited by CZECANCA consortium).